The following is an entry in ClinVar:

NM_031372.4(HNRNPDL):c.908G>T (p.Cys303Phe)

Gene: HNRNPDL (heterogeneous nuclear ribonucleoprotein D like; minus strand). Cytogenetic location: 4q21.22.
Variant type: single nucleotide variant.
Coding change: c.908G>T on transcript NM_031372.4 (MANE Select); coding-DNA position 908, G replaced by T.
Protein change: p.Cys303Phe; replaces cysteine 303 with phenylalanine.
Molecular consequence: missense variant. On other transcripts: non-coding transcript variant (1).
Genome position (GRCh38, 1-based): chr4:82,427,303, C>A on the plus strand (G>T on the coding strand, the complement: HNRNPDL is on the minus strand). VCF-style: chr4-82427303-C-A. GRCh37 (hg19) VCF-style: chr4-83348456-C-A.
Other names: c.908G>T, p.Cys303Phe (NM_001207000.1); short protein forms C303F.
Identifiers: ClinVar variation 640178 (VCV000640178.9), dbSNP rs1221914563, ClinGen allele CA357169806.

ClinVar aggregate classification (germline): Uncertain significance (1 of 4 stars; one submission).

Conditions:
Autosomal dominant limb-girdle muscular dystrophy type 1G (LGMDD3). Also called: Limb-girdle muscular dystrophy, type 1G; MUSCULAR DYSTROPHY, LIMB-GIRDLE, AUTOSOMAL DOMINANT 3. Identifiers: Orphanet 55596, MedGen C1836765, MONDO:0012193, OMIM 609115.

Allele frequency attached by ClinVar (database versions not stated): gnomAD exomes below 0.00001.
gnomAD v4.1: 3 of 1,575,112 alleles (0.00019%); highest among the groups gnomAD compares: Non-Finnish European, 0.00026%; no homozygotes.

Submission:

Labcorp Genetics (formerly Invitae), Labcorp
Classification: Uncertain significance for Autosomal dominant limb-girdle muscular dystrophy type 1G. Last evaluated: 2018-10-30. Review status: criteria provided, single submitter. Criteria: Invitae Variant Classification Sherloc (09022015). Collection method: clinical testing. Allele origin: germline.
Comment: In summary, the available evidence is currently insufficient to determine the role of this variant in disease. Therefore, it has been classified as a Variant of Uncertain Significance. Algorithms developed to predict the effect of missense changes on protein structure and function (SIFT, PolyPhen-2, Align-GVGD) all suggest that this variant is likely to be disruptive, but these predictions have not been confirmed by published functional studies and their clinical significance is uncertain. This variant has not been reported in the literature in individuals with HNRNPDL-related disease. This variant is not present in population databases (ExAC no frequency). This sequence change replaces cysteine with phenylalanine at codon 303 of the HNRNPDL protein (p.Cys303Phe). The cysteine residue is highly conserved and there is a large physicochemical difference between cysteine and phenylalanine.